The following is an entry in ClinVar:

ClinVar aggregate classification (germline): Uncertain significance. Review status: criteria provided, multiple submitters, no conflicts (2 of 4 stars). 2 submissions from 2 submitters: Uncertain significance (2). Last evaluated 2021-03-01.

Conditions:
Hereditary cancer-predisposing syndrome. Also called: Neoplastic Syndromes, Hereditary; Hereditary Cancer Syndrome; Tumor predisposition; Hereditary neoplastic syndrome. Identifiers: Orphanet 140162, MedGen C0027672, MeSH D009386, MONDO:0015356.
Oligodontia-cancer predisposition syndrome. Also called: TOOTH AGENESIS-COLORECTAL CANCER SYNDROME. Identifiers: Orphanet 300576, MedGen C1837750, MONDO:0012075, OMIM 608615. Disease mechanism: loss of function.

Allele frequency attached by ClinVar (database versions not stated): gnomAD exomes below 0.00001; 1000 Genomes Project 30x 0.00016; 1000 Genomes Project 0.00020.
gnomAD v4.1: 1 of 1,613,300 alleles (0.000062%); highest among the groups gnomAD compares: Non-Finnish European, 0.000085%; no homozygotes.

Submissions (2):

Ambry Genetics
Classification: Uncertain significance for Hereditary cancer-predisposing syndrome. Last evaluated: 2021-03-01. Review status: criteria provided, single submitter. Criteria: Ambry Variant Classification Scheme 2023. Collection method: clinical testing. Allele origin: germline.
Comment: The p.R703K variant (also known as c.2108G>A), located in coding exon 7 of the AXIN2 gene, results from a G to A substitution at nucleotide position 2108. The arginine at codon 703 is replaced by lysine, an amino acid with highly similar properties. This amino acid position is highly conserved in available vertebrate species. In addition, this alteration is predicted to be deleterious by in silico analysis. Since supporting evidence is limited at this time, the clinical significance of this alteration remains unclear.

Labcorp Genetics (formerly Invitae), Labcorp
Classification: Uncertain significance for Oligodontia-cancer predisposition syndrome. Last evaluated: 2018-02-23. Review status: criteria provided, single submitter. Criteria: Invitae Variant Classification Sherloc (09022015). Collection method: clinical testing. Allele origin: germline.
Comment: In summary, the available evidence is currently insufficient to determine the role of this variant in disease. Therefore, it has been classified as a Variant of Uncertain Significance. Algorithms developed to predict the effect of missense changes on protein structure and function do not agree on the potential impact of this missense change (SIFT: "Tolerated"; PolyPhen-2: "Probably Damaging"; Align-GVGD: "Class C0"). This variant has not been reported in the literature in individuals with AXIN2-related disease. This variant is not present in population databases (ExAC no frequency). This sequence change replaces arginine with lysine at codon 703 of the AXIN2 protein (p.Arg703Lys). The arginine residue is highly conserved and there is a small physicochemical difference between arginine and lysine.

NM_004655.4(AXIN2):c.2108G>A (p.Arg703Lys)

Gene: AXIN2 (axin 2; minus strand). Cytogenetic location: 17q24.1.
Variant type: single nucleotide variant.
Coding change: c.2108G>A on transcript NM_004655.4 (MANE Select); coding-DNA position 2108, G replaced by A.
Protein change: p.Arg703Lys; replaces arginine 703 with lysine.
Molecular consequence: missense variant.
Genome position (GRCh38, 1-based): chr17:65,536,353, C>T on the plus strand (G>A on the coding strand, the complement: AXIN2 is on the minus strand). VCF-style: chr17-65536353-C-T. GRCh37 (hg19) VCF-style: chr17-63532471-C-T.
Other names: c.2108G>A (LRG_296t1); c.1913G>A, p.Arg638Lys (NM_001363813.1); short protein forms R703K, R638K.
Identifiers: ClinVar variation 572546 (VCV000572546.11), dbSNP rs565565172, ClinGen allele CA293097763.